The following is an entry in ClinVar:

ClinVar aggregate classification (germline): Uncertain significance (1 of 4 stars; one submission).

Allele frequency attached by ClinVar (database versions not stated): gnomAD 0.00001; TOPMed 0.00001; ExAC 0.00002; ESP Exome Variant Server 0.00008.
gnomAD v4.1: 41 of 1,603,626 alleles (0.0026%); highest among the groups gnomAD compares: Non-Finnish European, 0.0035%; no homozygotes.

Submission:

Labcorp Genetics (formerly Invitae), Labcorp
Classification: Uncertain significance. Last evaluated: 2025-12-30. Review status: criteria provided, single submitter. Criteria: Invitae Variant Classification Sherloc (09022015). Collection method: clinical testing. Allele origin: germline.
Comment: This sequence change replaces proline, which is neutral and non-polar, with threonine, which is neutral and polar, at codon 244 of the TNFRSF6B protein (p.Pro244Thr). The frequency data for this variant in the population databases is considered unreliable, as metrics indicate poor data quality at this position in the gnomAD database. This variant has not been reported in the literature in individuals affected with TNFRSF6B-related conditions. ClinVar contains an entry for this variant (Variation ID: 2186448). An algorithm developed to predict the effect of missense changes on protein structure and function (PolyPhen-2) suggests that this variant is likely to be tolerated. Algorithms developed to predict the effect of sequence changes on RNA splicing suggest that this variant may create or strengthen a splice site. In summary, the available evidence is currently insufficient to determine the role of this variant in disease. Therefore, it has been classified as a Variant of Uncertain Significance.

NM_003823.4(TNFRSF6B):c.730C>A (p.Pro244Thr)

Genes: RTEL1-TNFRSF6B (RTEL1-TNFRSF6B readthrough (NMD candidate); plus strand), TNFRSF6B (TNF receptor superfamily member 6b; plus strand). Cytogenetic location: 20q13.33.
Variant type: single nucleotide variant.
Coding change: c.730C>A on transcript NM_003823.4 (MANE Select); coding-DNA position 730, C replaced by A.
Protein change: p.Pro244Thr; replaces proline 244 with threonine.
Molecular consequence: missense variant. On other transcripts: non-coding transcript variant (1).
Genome position (GRCh38, 1-based): chr20:63,698,390, C>A. VCF-style: chr20-63698390-C-A. GRCh37 (hg19) VCF-style: chr20-62329743-C-A.
Other names: short protein forms P244T.
Identifiers: ClinVar variation 2186448 (VCV002186448.4), dbSNP rs369558371, ClinGen allele CA9966581.